The following is an entry in ClinVar:

ClinVar aggregate classification (germline): Uncertain significance (1 of 4 stars; one submission).

Conditions:
CHARGE syndrome (CHARGE). Also called: Hittner Hirsch Kreh syndrome; CHARGE ASSOCIATION--COLOBOMA, HEART ANOMALY, CHOANAL ATRESIA, RETARDATION, GENITAL AND EAR ANOMALIES; Coloboma, heart anomaly, choanal atresia, retardation, genital and ear anomalies; CHARGE association; Hall-Hittner syndrome. Identifiers: Orphanet 138, MedGen C0265354, MONDO:0008965.

gnomAD v4.1: 6 of 1,612,802 alleles (0.00037%); highest among the groups gnomAD compares: Non-Finnish European, 0.00051%; no homozygotes.

Submission:

Labcorp Genetics (formerly Invitae), Labcorp
Classification: Uncertain significance for CHARGE syndrome. Last evaluated: 2025-04-23. Review status: criteria provided, single submitter. Criteria: Invitae Variant Classification Sherloc (09022015). Collection method: clinical testing. Allele origin: germline.
Comment: This sequence change replaces proline, which is neutral and non-polar, with alanine, which is neutral and non-polar, at codon 395 of the CHD7 protein (p.Pro395Ala). This variant is not present in population databases (gnomAD no frequency). This variant has not been reported in the literature in individuals affected with CHD7-related conditions. Invitae Evidence Modeling of protein sequence and biophysical properties (such as structural, functional, and spatial information, amino acid conservation, physicochemical variation, residue mobility, and thermodynamic stability) indicates that this missense variant is not expected to disrupt CHD7 protein function with a negative predictive value of 95%. In summary, the available evidence is currently insufficient to determine the role of this variant in disease. Therefore, it has been classified as a Variant of Uncertain Significance.

NM_017780.4(CHD7):c.1183C>G (p.Pro395Ala)

Gene: CHD7 (chromodomain helicase DNA binding protein 7; plus strand). Cytogenetic location: 8q12.2.
Variant type: single nucleotide variant.
Coding change: c.1183C>G on transcript NM_017780.4 (MANE Select); coding-DNA position 1183, C replaced by G.
Protein change: p.Pro395Ala; replaces proline 395 with alanine.
Molecular consequence: missense variant.
Genome position (GRCh38, 1-based): chr8:60,742,615, C>G. VCF-style: chr8-60742615-C-G. GRCh37 (hg19) VCF-style: chr8-61655174-C-G.
Other names: c.1183C>G, p.Pro395Ala (NM_001316690.1); short protein forms P395A.
Identifiers: ClinVar variation 4743220 (VCV004743220.1).